The following is an entry in ClinVar:

NM_001267550.2(TTN):c.46429+8T>C

Genes: TTN-AS1 (TTN antisense RNA 1; plus strand), TTN (titin; minus strand). Cytogenetic location: 2q31.2.
Variant type: single nucleotide variant.
Coding change: c.46429+8T>C on transcript NM_001267550.2 (MANE Select); 8 bases into the intron after coding-DNA position 46429, T replaced by C.
Molecular consequence: intron variant. On other transcripts: non-coding transcript variant (1).
Genome position (GRCh38, 1-based): chr2:178,619,980, A>G on the plus strand (T>C on the coding strand, the complement: TTN is on the minus strand). VCF-style: chr2-178619980-A-G. GRCh37 (hg19) VCF-style: chr2-179484707-A-G.
Other names: c.41506+8T>C (NM_001256850.1); c.19234+8T>C (NM_003319.4); c.19810+8T>C (NM_133437.4); c.19609+8T>C (NM_133432.3); c.38725+8T>C (NM_133378.4).
Identifiers: ClinVar variation 514542 (VCV000514542.4), dbSNP rs1392048853, ClinGen allele CA430275176.

ClinVar aggregate classification (germline): Likely benign. Review status: criteria provided, multiple submitters, no conflicts (2 of 4 stars). 2 submissions from 2 submitters: Likely benign (2). Last evaluated 2024-09-26.

Conditions:
Autosomal recessive limb-girdle muscular dystrophy type 2J (LGMDR10). Also called: MUSCULAR DYSTROPHY, LIMB-GIRDLE, AUTOSOMAL RECESSIVE 10; Limb-girdle muscular dystrophy, type 2J. Identifiers: Orphanet 140922, MedGen C1837342, MONDO:0012127, OMIM 608807.
Dilated cardiomyopathy 1G (CMD1G). Identifiers: Orphanet 154, MedGen C1858763, MONDO:0011400, OMIM 604145.

Allele frequency attached by ClinVar (database versions not stated): gnomAD exomes below 0.00001.
gnomAD v4.1: 6 of 1,607,674 alleles (0.00037%); highest among the groups gnomAD compares: Admixed American, 0.0017%; no homozygotes.

Submissions (2):

Labcorp Genetics (formerly Invitae), Labcorp
Classification: Likely benign for Dilated cardiomyopathy 1G; Autosomal recessive limb-girdle muscular dystrophy type 2J. Last evaluated: 2024-09-26. Review status: criteria provided, single submitter. Criteria: Invitae Variant Classification Sherloc (09022015). Collection method: clinical testing. Allele origin: germline.

GeneDx
Classification: Likely benign. Last evaluated: 2018-01-03. Review status: criteria provided, single submitter. Criteria: GeneDx Variant Classification (06012015). Collection method: clinical testing. Allele origin: germline. Affected: yes.
Comment: This variant is considered likely benign or benign based on one or more of the following criteria: it is a conservative change, it occurs at a poorly conserved position in the protein, it is predicted to be benign by multiple in silico algorithms, and/or has population frequency not consistent with disease.